The following is an entry in ClinVar:

ClinVar aggregate classification (germline): Uncertain significance (1 of 4 stars; one submission).

Conditions:
Inborn genetic diseases. Identifiers: MedGen C0950123, MeSH D030342.

gnomAD v4.1: 10 of 1,612,682 alleles (0.00062%); highest among the groups gnomAD compares: African/African-American, 0.0027%; no homozygotes.

Submission:

Ambry Genetics
Classification: Uncertain significance for Inborn genetic diseases. Last evaluated: 2025-11-06. Review status: criteria provided, single submitter. Criteria: Ambry Variant Classification Scheme 2023. Collection method: clinical testing. Allele origin: germline.
Comment: The c.257A>G (p.Y86C) alteration is located in exon 3 (coding exon 2) of the SPTBN4 gene. This alteration results from a A to G substitution at nucleotide position 257, causing the tyrosine (Y) at amino acid position 86 to be replaced by a cysteine (C). Based on data from gnomAD, the G allele has an overall frequency of <0.001% (1/249706) total alleles studied. The highest observed frequency was 0.001% (1/113050) of European (non-Finnish) alleles. Based on insufficient or conflicting evidence, the clinical significance of this alteration remains unclear.

NM_020971.3(SPTBN4):c.257A>G (p.Tyr86Cys)

Gene: SPTBN4 (spectrin beta, non-erythrocytic 4; plus strand). Cytogenetic location: 19q13.2.
Variant type: single nucleotide variant.
Coding change: c.257A>G on transcript NM_020971.3 (MANE Select); coding-DNA position 257, A replaced by G.
Protein change: p.Tyr86Cys; replaces tyrosine 86 with cysteine.
Molecular consequence: missense variant.
Genome position (GRCh38, 1-based): chr19:40,487,784, A>G. VCF-style: chr19-40487784-A-G. GRCh37 (hg19) VCF-style: chr19-40993691-A-G.
Other names: short protein forms Y86C.
Identifiers: ClinVar variation 4632160 (VCV004632160.1).